The following is an entry in ClinVar:

ClinVar aggregate classification (germline): Uncertain significance (1 of 4 stars; one submission).

Allele frequency attached by ClinVar (database versions not stated): gnomAD 0.00001; gnomAD exomes 0.00002; TOPMed below 0.00001; ExAC 0.00002.
gnomAD v4.1: 28 of 1,613,810 alleles (0.0017%); highest among the groups gnomAD compares: East Asian, 0.0022%; no homozygotes.

Submission:

Labcorp Genetics (formerly Invitae), Labcorp
Classification: Uncertain significance. Last evaluated: 2025-10-01. Review status: criteria provided, single submitter. Criteria: Invitae Variant Classification Sherloc (09022015). Collection method: clinical testing. Allele origin: germline.
Comment: This sequence change replaces proline, which is neutral and non-polar, with leucine, which is neutral and non-polar, at codon 824 of the ZMIZ1 protein (p.Pro824Leu). This variant is present in population databases (rs761980230, gnomAD 0.006%). This variant has not been reported in the literature in individuals affected with ZMIZ1-related conditions. ClinVar contains an entry for this variant (Variation ID: 2125805). Invitae Evidence Modeling of protein sequence and biophysical properties (such as structural, functional, and spatial information, amino acid conservation, physicochemical variation, residue mobility, and thermodynamic stability) indicates that this missense variant is expected to disrupt ZMIZ1 protein function with a positive predictive value of 80%. In summary, the available evidence is currently insufficient to determine the role of this variant in disease. Therefore, it has been classified as a Variant of Uncertain Significance.

NM_020338.4(ZMIZ1):c.2471C>T (p.Pro824Leu)

Gene: ZMIZ1 (zinc finger MIZ-type containing 1; plus strand). Cytogenetic location: 10q22.3.
Variant type: single nucleotide variant.
Coding change: c.2471C>T on transcript NM_020338.4 (MANE Select); coding-DNA position 2471, C replaced by T.
Protein change: p.Pro824Leu; replaces proline 824 with leucine.
Molecular consequence: missense variant.
Genome position (GRCh38, 1-based): chr10:79,306,147, C>T. VCF-style: chr10-79306147-C-T. GRCh37 (hg19) VCF-style: chr10-81065904-C-T.
Other names: short protein forms P824L.
Identifiers: ClinVar variation 2125805 (VCV002125805.4), dbSNP rs761980230, ClinGen allele CA5573040.